The following is an entry in ClinVar:

ClinVar aggregate classification (germline): Uncertain significance. Review status: criteria provided, multiple submitters, no conflicts (2 of 4 stars). 3 submissions from 3 submitters: Uncertain significance (3). Last evaluated 2024-06-05.

Conditions:
Cardiovascular phenotype. Identifiers: MedGen CN230736.
Cardiomyopathy (CMYO). Also called: Cardiomyopathies. Identifiers: Orphanet 167848, MedGen C0878544, MONDO:0004994, HP:0001638. Inheritance: Various modes of inheritance.
Hypertrophic cardiomyopathy 14. Identifiers: MedGen C2750467, MONDO:0013197, OMIM 613251.

Allele frequency attached by ClinVar (database versions not stated): gnomAD exomes below 0.00001; TOPMed 0.00001.
gnomAD v4.1: 1 of 1,613,890 alleles (0.000062%); highest among the groups gnomAD compares: East Asian, 0.0022%; no homozygotes.

Submissions (3):

Labcorp Genetics (formerly Invitae), Labcorp
Classification: Uncertain significance for Hypertrophic cardiomyopathy 14. Last evaluated: 2024-06-05. Review status: criteria provided, single submitter. Criteria: Invitae Variant Classification Sherloc (09022015). Collection method: clinical testing. Allele origin: germline.
Comment: This sequence change falls in intron 7 of the MYH6 gene. It does not directly change the encoded amino acid sequence of the MYH6 protein. It affects a nucleotide within the consensus splice site. This variant is not present in population databases (gnomAD no frequency). This variant has not been reported in the literature in individuals affected with MYH6-related conditions. ClinVar contains an entry for this variant (Variation ID: 915528). Variants that disrupt the consensus splice site are a relatively common cause of aberrant splicing (PMID: 17576681, 9536098). Algorithms developed to predict the effect of sequence changes on RNA splicing suggest that this variant is not likely to affect RNA splicing. In summary, the available evidence is currently insufficient to determine the role of this variant in disease. Therefore, it has been classified as a Variant of Uncertain Significance.

Ambry Genetics
Classification: Uncertain significance for Cardiovascular phenotype. Last evaluated: 2023-07-17. Review status: criteria provided, single submitter. Criteria: Ambry Variant Classification Scheme 2023. Collection method: clinical testing. Allele origin: germline.
Comment: The c.642+3G>A intronic variant results from a G to A substitution 3 nucleotides after coding exon 5 in the MYH6 gene. This nucleotide position is not well conserved in available vertebrate species. In silico splice site analysis predicts that this alteration will not have any significant effect on splicing. Since supporting evidence is limited at this time, the clinical significance of this alteration remains unclear.

CHEO Genetics Diagnostic Laboratory, Children's Hospital of Eastern Ontario
Classification: Uncertain significance for Cardiomyopathy. Last evaluated: 2017-12-18. Review status: criteria provided, single submitter. Criteria: ACMG Guidelines, 2015. Collection method: clinical testing. Allele origin: germline.

Literature cited by the submitters: PubMed 17576681 (cited by Labcorp Genetics (formerly Invitae), Labcorp); PubMed 9536098 (cited by Labcorp Genetics (formerly Invitae), Labcorp).

NM_002471.4(MYH6):c.642+3G>A

Genes: MYH6 (myosin heavy chain 6; minus strand), LOC114827851 (VISTA enhancer hs2155; plus strand). Cytogenetic location: 14q11.2.
Variant type: single nucleotide variant.
Coding change: c.642+3G>A on transcript NM_002471.4 (MANE Select); 3 bases into the intron after coding-DNA position 642, G replaced by A.
Molecular consequence: intron variant.
Genome position (GRCh38, 1-based): chr14:23,404,708, C>T on the plus strand (G>A on the coding strand, the complement: MYH6 is on the minus strand). VCF-style: chr14-23404708-C-T. GRCh37 (hg19) VCF-style: chr14-23873917-C-T.
Identifiers: ClinVar variation 915528 (VCV000915528.8), dbSNP rs374013248, ClinGen allele CA485612920.
Genomic context (GRCh38, chr14:23,404,708, plus strand): 5'-GGGTAACTCGGGTCAGCCTGCCCCCCAACCCCTGTTCTGCCGAGCCTGTGTCCCCCATGG[C>T]ACCTTGTTCGCATTGGCATTGTCCTTCTTGCCACGGTCACCTATGGCTGCAATGCTGGCA-3'